The following is an entry in ClinVar:

NM_201253.3(CRB1):c.1651C>T (p.Gln551Ter)

Gene: CRB1 (crumbs cell polarity complex component 1; plus strand). Cytogenetic location: 1q31.3.
Variant type: single nucleotide variant.
Coding change: c.1651C>T on transcript NM_201253.3 (MANE Select); coding-DNA position 1651, C replaced by T.
Protein change: p.Gln551Ter; replaces glutamine 551 with a stop codon.
Molecular consequence: nonsense. On other transcripts: non-coding transcript variant (2).
Genome position (GRCh38, 1-based): chr1:197,421,479, C>T. VCF-style: chr1-197421479-C-T. GRCh37 (hg19) VCF-style: chr1-197390609-C-T.
Other names: c.1315C>T, p.Gln439Ter (NM_001193640.2); c.1444C>T, p.Gln482Ter (NM_001257965.2); c.1651C>T, p.Gln551Ter (NM_001257966.2); c.1651C>T (NM_201253.2); short protein forms Q439*, Q482*, Q551*.
Identifiers: ClinVar variation 1073266 (VCV001073266.12), dbSNP rs768107603, ClinGen allele CA1311947.
Genomic context (GRCh38, chr1:197,421,479, plus strand): 5'-GTGTTTGTGAAGCTGGAGCTGCTAAGTGGCTACATTCACTTATCAATTCAGGTCAATAAT[C>T]AGTCAAAGGTGCTTCTGTTCATTTCCCACAACACCAGCGATGGAGAGTGGCATTTCGTGG-3'

ClinVar aggregate classification (germline): Pathogenic/Likely pathogenic. Review status: criteria provided, multiple submitters, no conflicts (2 of 4 stars). 5 submissions from 5 submitters: Pathogenic (2); Likely pathogenic (3). Last evaluated 2025-06-25.

Conditions:
Retinitis pigmentosa 12 (RP12). Also called: RP WITH OR WITHOUT PPRPE; RP WITH OR WITHOUT PRESERVED PARAARTERIOLE RETINAL PIGMENT EPITHELIUM; RETINITIS PIGMENTOSA WITH OR WITHOUT PARAARTERIOLAR PRESERVATION OF RETINAL PIGMENT EPITHELIUM. Identifiers: Orphanet 791, MedGen C1838647, MONDO:0010818, OMIM 600105.
Leber congenital amaurosis 8 (LCA8). Identifiers: Orphanet 65, MedGen C3151202, MONDO:0013453, OMIM 613835.
Leber congenital amaurosis (LCA). Also called: Leber's amaurosis. Identifiers: Orphanet 65, MedGen C0339527, MeSH D057130, MONDO:0018998.
Pigmented paravenous retinochoroidal atrophy. Identifiers: Orphanet 251295, MedGen C1868310, MONDO:0008246, OMIM 172870.

Allele frequency attached by ClinVar (database versions not stated): gnomAD exomes below 0.00001; ExAC 0.00001.
gnomAD v4.1: 3 of 1,614,224 alleles (0.00019%); highest among the groups gnomAD compares: South Asian, 0.0033%; no homozygotes.

Submissions (5):

Revvity Omics, Revvity
Classification: Pathogenic. Last evaluated: 2025-06-25. Review status: criteria provided, single submitter. Criteria: ACMG Guidelines, 2015. Collection method: clinical testing. Allele origin: germline.

Natera, Inc.
Classification: Likely pathogenic for Leber congenital amaurosis. Last evaluated: 2025-01-07. Review status: criteria provided, single submitter. Criteria: Natera Variant Classification Schema (03/2026). Collection method: clinical testing. Allele origin: germline.
Comment: The c.1651C>T variant in CRB1 is a nonsense variant predicted to introduce a stop codon at amino acid 551. This variant is expected to result in nonsense mediated decay, truncation, or a dysfunctional protein product. This variant is rare in the general population with a frequency below the threshold expected for the associated phenotype(s). Given the available evidence, this variant is classified as Likely Pathogenic.

Baylor Genetics
Classification: Likely pathogenic for Leber congenital amaurosis 8. Last evaluated: 2024-02-15. Review status: criteria provided, single submitter. Criteria: ACMG Guidelines, 2015. Collection method: clinical testing. Allele origin: unknown.

Fulgent Genetics
Classification: Likely pathogenic for Pigmented paravenous retinochoroidal atrophy; Retinitis pigmentosa 12; Leber congenital amaurosis 8. Last evaluated: 2024-01-03. Review status: criteria provided, single submitter. Criteria: ACMG Guidelines, 2015. Collection method: clinical testing. Allele origin: germline.

Labcorp Genetics (formerly Invitae), Labcorp
Classification: Pathogenic for Leber congenital amaurosis 8; Retinitis pigmentosa 12. Last evaluated: 2023-06-02. Review status: criteria provided, single submitter. Criteria: Invitae Variant Classification Sherloc (09022015). Collection method: clinical testing. Allele origin: germline.
Comment: This variant has not been reported in the literature in individuals affected with CRB1-related conditions. ClinVar contains an entry for this variant (Variation ID: 1073266). For these reasons, this variant has been classified as Pathogenic. This variant is present in population databases (rs768107603, gnomAD 0.003%). This sequence change creates a premature translational stop signal (p.Gln551*) in the CRB1 gene. It is expected to result in an absent or disrupted protein product. Loss-of-function variants in CRB1 are known to be pathogenic (PMID: 10508521, 22065545, 23379534, 25412400, 26957898, 28041643, 29391521).

Literature cited by the submitters: PubMed 10508521 (cited by Labcorp Genetics (formerly Invitae), Labcorp); PubMed 22065545 (cited by Labcorp Genetics (formerly Invitae), Labcorp); PubMed 23379534 (cited by Labcorp Genetics (formerly Invitae), Labcorp); PubMed 25412400 (cited by Labcorp Genetics (formerly Invitae), Labcorp); PubMed 26957898 (cited by Labcorp Genetics (formerly Invitae), Labcorp); PubMed 28041643 (cited by Labcorp Genetics (formerly Invitae), Labcorp); PubMed 29391521 (cited by Labcorp Genetics (formerly Invitae), Labcorp).